The following is an entry in ClinVar:

NM_020297.4(ABCC9):c.2363G>A (p.Cys788Tyr)

Gene: ABCC9 (ATP binding cassette subfamily C member 9; minus strand). Cytogenetic location: 12p12.1.
Variant type: single nucleotide variant.
Coding change: c.2363G>A on transcript NM_020297.4 (MANE Select); coding-DNA position 2363, G replaced by A.
Protein change: p.Cys788Tyr; replaces cysteine 788 with tyrosine.
Molecular consequence: missense variant.
Genome position (GRCh38, 1-based): chr12:21,861,032, C>T on the plus strand (G>A on the coding strand, the complement: ABCC9 is on the minus strand). VCF-style: chr12-21861032-C-T. GRCh37 (hg19) VCF-style: chr12-22013966-C-T.
Other names: c.2363G>A, p.Cys788Tyr (NM_001377273.1, NM_005691.4); c.1496G>A, p.Cys499Tyr (NM_001377274.1); short protein forms C788Y, C499Y.
Identifiers: ClinVar variation 1790187 (VCV001790187.2), dbSNP rs886295615, ClinGen allele CA233604842.
Genomic context (GRCh38, chr12:21,861,032, plus strand): 5'-CTCTCTCCAATTTCAGTTTGATCTCCAAATGGTAATAAGTCAATATCTGGCTGAAGAGAA[C>T]AGGCATCTGTGACAGCTTTGTACCTTTGGGAGAAATGATTTTGAATTTTTAGATCTCAAT-3'
Protein context (NP_064693.2, residues 778-798): KQRYKAVTDA[Cys788Tyr]SLQPDIDLLP

ClinVar aggregate classification (germline): Uncertain significance (1 of 4 stars; one submission).

Conditions:
Cardiovascular phenotype. Identifiers: MedGen CN230736.

Allele frequency attached by ClinVar (database versions not stated): TOPMed below 0.00001; gnomAD 0.00001.
gnomAD v4.1: 2 of 1,613,442 alleles (0.00012%); highest among the groups gnomAD compares: Non-Finnish European, 0.00017%; no homozygotes.

Submission:

Ambry Genetics
Classification: Uncertain significance for Cardiovascular phenotype. Last evaluated: 2020-11-03. Review status: criteria provided, single submitter. Criteria: Ambry Variant Classification Scheme 2023. Collection method: clinical testing. Allele origin: germline.
Comment: The p.C788Y variant (also known as c.2363G>A), located in coding exon 19 of the ABCC9 gene, results from a G to A substitution at nucleotide position 2363. The cysteine at codon 788 is replaced by tyrosine, an amino acid with highly dissimilar properties. This amino acid position is highly conserved in available vertebrate species. In addition, this alteration is predicted to be deleterious by in silico analysis. Since supporting evidence is limited at this time, the clinical significance of this alteration remains unclear.